The following is an entry in ClinVar:

ClinVar aggregate classification (germline): Uncertain significance (1 of 4 stars; one submission).

Conditions:
3-methylglutaconic aciduria type 5. Also called: MGA, TYPE V; CARDIOMYOPATHY, DILATED, WITH ATAXIA; 3 alpha methylglutaconic aciduria type V; MGA 5. Identifiers: Orphanet 66634, MedGen C1857776, MONDO:0012435, OMIM 610198.

Allele frequency attached by ClinVar (database versions not stated): gnomAD exomes 0.00001.

Submission:

Labcorp Genetics (formerly Invitae), Labcorp
Classification: Uncertain significance for 3-methylglutaconic aciduria type 5. Last evaluated: 2022-03-11. Review status: criteria provided, single submitter. Criteria: Invitae Variant Classification Sherloc (09022015). Collection method: clinical testing. Allele origin: germline.
Comment: In summary, the available evidence is currently insufficient to determine the role of this variant in disease. Therefore, it has been classified as a Variant of Uncertain Significance. Algorithms developed to predict the effect of missense changes on protein structure and function (SIFT, PolyPhen-2, Align-GVGD) all suggest that this variant is likely to be tolerated. This variant has not been reported in the literature in individuals affected with DNAJC19-related conditions. This variant is not present in population databases (gnomAD no frequency). This sequence change replaces glycine, which is neutral and non-polar, with arginine, which is basic and polar, at codon 76 of the DNAJC19 protein (p.Gly76Arg).

NM_145261.4(DNAJC19):c.226G>A (p.Gly76Arg)

Gene: DNAJC19 (DnaJ heat shock protein family (Hsp40) member C19; minus strand). Cytogenetic location: 3q26.33.
Variant type: single nucleotide variant.
Coding change: c.226G>A on transcript NM_145261.4 (MANE Select); coding-DNA position 226, G replaced by A.
Protein change: p.Gly76Arg; replaces glycine 76 with arginine.
Molecular consequence: missense variant. On other transcripts: non-coding transcript variant (4).
Genome position (GRCh38, 1-based): chr3:180,985,980, C>T on the plus strand (G>A on the coding strand, the complement: DNAJC19 is on the minus strand). VCF-style: chr3-180985980-C-T. GRCh37 (hg19) VCF-style: chr3-180703768-C-T.
Other names: c.151G>A, p.Gly51Arg (NM_001190233.2); short protein forms G51R, G76R.
Identifiers: ClinVar variation 2107195 (VCV002107195.4), dbSNP rs1577024355, ClinGen allele CA355472337.